The following is an entry in ClinVar:

ClinVar aggregate classification (germline): Benign/Likely benign. Review status: criteria provided, multiple submitters, no conflicts (2 of 4 stars). 3 submissions from 3 submitters: Benign (1); Likely benign (1). 1 of the submissions does not count toward it. Last evaluated 2025-04-07.

Conditions:
PHF6-related disorder. Also called: PHF6-related condition.
Borjeson-Forssman-Lehmann syndrome (BFLS). Also called: MENTAL RETARDATION, X-LINKED, SYNDROMIC, BORJESON-FORSSMAN-LEHMANN TYPE; MENTAL RETARDATION, EPILEPSY, AND ENDOCRINE DISORDERS; BORJESON SYNDROME. Identifiers: Orphanet 127, MedGen C0265339, MONDO:0010537, OMIM 301900.

Allele frequency attached by ClinVar (database versions not stated): ExAC 0.00002; TOPMed 0.00002; gnomAD 0.00003; gnomAD exomes 0.00004.
gnomAD v4.1: 45 of 1,209,100 alleles (0.0037%); highest among the groups gnomAD compares: Non-Finnish European, 0.005%; no homozygotes.

Submissions (3):

Labcorp Genetics (formerly Invitae), Labcorp
Classification: Benign for Borjeson-Forssman-Lehmann syndrome. Last evaluated: 2025-04-07. Review status: criteria provided, single submitter. Criteria: Invitae Variant Classification Sherloc (09022015). Collection method: clinical testing. Allele origin: germline.

Blueprint Genetics
Classification: Likely benign. Last evaluated: 2020-10-09. Review status: criteria provided, single submitter. Criteria: ACMG Guidelines, 2015. Collection method: clinical testing. Allele origin: germline.

PreventionGenetics, part of Exact Sciences
Classification: Likely benign for PHF6-related condition. Last evaluated: 2019-12-17. Review status: no assertion criteria provided. Collection method: clinical testing. Allele origin: germline. Not counted in ClinVar's aggregate classification.
Comment: This variant is classified as likely benign based on ACMG/AMP sequence variant interpretation guidelines (Richards et al. 2015 PMID: 25741868, with internal and published modifications).

NM_001015877.2(PHF6):c.24A>G (p.Lys8=)

Gene: PHF6 (PHD finger protein 6; plus strand). Cytogenetic location: Xq26.2.
Variant type: single nucleotide variant.
Coding change: c.24A>G on transcript NM_001015877.2 (MANE Select); coding-DNA position 24, A replaced by G.
Protein change: p.Lys8=; no amino-acid change (lysine 8 retained).
Molecular consequence: synonymous variant.
Genome position (GRCh38, 1-based): chrX:134,377,641, A>G. VCF-style: chrX-134377641-A-G. GRCh37 (hg19) VCF-style: chrX-133511671-A-G.
Other names: c.24A>G, p.Lys8= (NM_032335.3, NM_032458.3).
Identifiers: ClinVar variation 3033855 (VCV003033855.4), dbSNP rs769068524, ClinGen allele CA10521133.